The following is an entry in ClinVar:

ClinVar aggregate classification (germline): Uncertain significance (1 of 4 stars; one submission).

Conditions:
Peroxisome biogenesis disorder 9B. Also called: PEX7-Related Refsum Disease; Refsum disease, adult, 2; PEROXISOME BIOGENESIS DISORDER, PEX7-RELATED, ATYPICAL. Identifiers: Orphanet 773, MedGen C2749346, MONDO:0013945, OMIM 614879.

Allele frequency attached by ClinVar (database versions not stated): gnomAD exomes below 0.00001.
gnomAD v4.1: 1 of 1,602,250 alleles (0.000062%); highest among the groups gnomAD compares: Non-Finnish European, 0.000086%; no homozygotes.

Submission:

Labcorp Genetics (formerly Invitae), Labcorp
Classification: Uncertain significance for Peroxisome biogenesis disorder 9B. Last evaluated: 2022-07-10. Review status: criteria provided, single submitter. Criteria: Invitae Variant Classification Sherloc (09022015). Collection method: clinical testing. Allele origin: germline.
Comment: This sequence change falls in intron 6 of the PEX7 gene. It does not directly change the encoded amino acid sequence of the PEX7 protein. It affects a nucleotide within the consensus splice site. This variant is present in population databases (no rsID available, gnomAD 0.0009%). This variant has not been reported in the literature in individuals affected with PEX7-related conditions. Variants that disrupt the consensus splice site are a relatively common cause of aberrant splicing (PMID: 17576681, 9536098). Algorithms developed to predict the effect of sequence changes on RNA splicing suggest that this variant may disrupt the consensus splice site. In summary, the available evidence is currently insufficient to determine the role of this variant in disease. Therefore, it has been classified as a Variant of Uncertain Significance.

Literature cited by the submitters: PubMed 17576681; PubMed 9536098.

NM_000288.4(PEX7):c.633+3A>G

Gene: PEX7 (peroxisomal biogenesis factor 7; plus strand). Cytogenetic location: 6q23.3.
Variant type: single nucleotide variant.
Coding change: c.633+3A>G on transcript NM_000288.4 (MANE Select); 3 bases into the intron after coding-DNA position 633, A replaced by G.
Molecular consequence: intron variant.
Genome position (GRCh38, 1-based): chr6:136,866,736, A>G. VCF-style: chr6-136866736-A-G. GRCh37 (hg19) VCF-style: chr6-137187874-A-G.
Identifiers: ClinVar variation 1916053 (VCV001916053.5), dbSNP rs1241542169, ClinGen allele CA570572917.
Genomic context (GRCh38, chr6:136,866,736, plus strand): 5'-CGTGATTCCTGCACATCAGGCAGAAATCTTGAGTTGTGACTGGTGTAAATACAATGAGGT[A>G]TAGTGTATGGCTCTATCCTATGCTGCTGTCCTTCCTAATGTTAAAATGTTCTGAATTTTA-3'